The following is an entry in ClinVar:

NM_004260.4(RECQL4):c.3583C>G (p.Leu1195Val)

Gene: RECQL4 (RecQ like helicase 4; minus strand). Cytogenetic location: 8q24.3.
Variant type: single nucleotide variant.
Coding change: c.3583C>G on transcript NM_004260.4 (MANE Select); coding-DNA position 3583, C replaced by G.
Protein change: p.Leu1195Val; replaces leucine 1195 with valine.
Molecular consequence: missense variant.
Genome position (GRCh38, 1-based): chr8:144,511,475, G>C on the plus strand (C>G on the coding strand, the complement: RECQL4 is on the minus strand). VCF-style: chr8-144511475-G-C. GRCh37 (hg19) VCF-style: chr8-145736858-G-C.
Other names: short protein forms L1195V.
Identifiers: ClinVar variation 954203 (VCV000954203.6), dbSNP rs1353637154, ClinGen allele CA372665702.

ClinVar aggregate classification (germline): Uncertain significance (1 of 4 stars; one submission).

Conditions:
Baller-Gerold syndrome (BGS). Also called: CRANIOSYNOSTOSIS WITH RADIAL DEFECTS. Identifiers: Orphanet 1225, MedGen C0265308, MONDO:0009039, OMIM 218600.

Submission:

Labcorp Genetics (formerly Invitae), Labcorp
Classification: Uncertain significance for Baller-Gerold syndrome. Last evaluated: 2024-10-29. Review status: criteria provided, single submitter. Criteria: Invitae Variant Classification Sherloc (09022015). Collection method: clinical testing. Allele origin: germline.
Comment: This sequence change replaces leucine, which is neutral and non-polar, with valine, which is neutral and non-polar, at codon 1195 of the RECQL4 protein (p.Leu1195Val). This variant is not present in population databases (gnomAD no frequency). This variant has not been reported in the literature in individuals affected with RECQL4-related conditions. ClinVar contains an entry for this variant (Variation ID: 954203). Invitae Evidence Modeling of protein sequence and biophysical properties (such as structural, functional, and spatial information, amino acid conservation, physicochemical variation, residue mobility, and thermodynamic stability) indicates that this missense variant is not expected to disrupt RECQL4 protein function with a negative predictive value of 80%. In summary, the available evidence is currently insufficient to determine the role of this variant in disease. Therefore, it has been classified as a Variant of Uncertain Significance.